The following is an entry in ClinVar:

ClinVar aggregate classification (germline): Uncertain significance (1 of 4 stars; one submission).

Conditions:
Hereditary cancer-predisposing syndrome. Also called: Hereditary Cancer Syndrome; Hereditary neoplastic syndrome; Neoplastic Syndromes, Hereditary; Tumor predisposition. Identifiers: Orphanet 140162, MedGen C0027672, MeSH D009386, MONDO:0015356.

Submission:

Ambry Genetics
Classification: Uncertain significance for Hereditary cancer-predisposing syndrome. Last evaluated: 2025-02-19. Review status: criteria provided, single submitter. Criteria: Ambry Variant Classification Scheme 2023. Collection method: clinical testing. Allele origin: germline.
Comment: The p.K1410R variant (also known as c.4229A>G), located in coding exon 29 of the ALK gene, results from an A to G substitution at nucleotide position 4229. The lysine at codon 1410 is replaced by arginine, an amino acid with highly similar properties. This amino acid position is well conserved in available vertebrate species. In addition, this alteration is predicted to be tolerated by in silico analysis. Based on the available evidence, the clinical significance of this variant remains unclear.

NM_004304.5(ALK):c.4229A>G (p.Lys1410Arg)

Gene: ALK (ALK receptor tyrosine kinase; minus strand). Cytogenetic location: 2p23.2.
Variant type: single nucleotide variant.
Coding change: c.4229A>G on transcript NM_004304.5 (MANE Select); coding-DNA position 4229, A replaced by G.
Protein change: p.Lys1410Arg; replaces lysine 1410 with arginine.
Molecular consequence: missense variant.
Genome position (GRCh38, 1-based): chr2:29,193,858, T>C on the plus strand (A>G on the coding strand, the complement: ALK is on the minus strand). VCF-style: chr2-29193858-T-C. GRCh37 (hg19) VCF-style: chr2-29416724-T-C.
Other names: c.1025A>G, p.Lys342Arg (NM_001353765.2); short protein forms K1410R, K342R.
Identifiers: ClinVar variation 1738874 (VCV001738874.3), dbSNP rs2465875277, ClinGen allele CA346463180.